The following is an entry in ClinVar:

NM_002139.4(RBMX):c.538A>G (p.Arg180Gly)

Gene: RBMX (RNA binding motif protein X-linked; minus strand). Cytogenetic location: Xq26.3.
Variant type: single nucleotide variant.
Coding change: c.538A>G on transcript NM_002139.4 (MANE Select); coding-DNA position 538, A replaced by G.
Protein change: p.Arg180Gly; replaces arginine 180 with glycine.
Molecular consequence: missense variant. On other transcripts: non-coding transcript variant (2), intron variant (1).
Genome position (GRCh38, 1-based): chrX:136,876,506, T>C on the plus strand (A>G on the coding strand, the complement: RBMX is on the minus strand). VCF-style: chrX-136876506-T-C. GRCh37 (hg19) VCF-style: chrX-135958665-T-C.
Other names: c.217-921A>G (NM_001164803.2); short protein forms R180G.
Identifiers: ClinVar variation 3068983 (VCV003068983.2), dbSNP rs2522761957, ClinGen allele CA414764338.

ClinVar aggregate classification (germline): Uncertain significance (1 of 4 stars; one submission).

Submission:

Women's Health and Genetics/Laboratory Corporation of America, LabCorp
Classification: Uncertain significance. Last evaluated: 2024-02-08. Review status: criteria provided, single submitter. Criteria: LabCorp Variant Classification Summary - May 2015. Collection method: clinical testing. Allele origin: germline.
Comment: Variant summary: RBMX c.538A>G (p.Arg180Gly) results in a non-conservative amino acid change located in the RBM1CTR domain (IPR012604) of the encoded protein sequence. Three of five in-silico tools predict a damaging effect of the variant on protein function. The frequency data for this variant in gnomAD is considered unreliable, as metrics indicate poor data quality at this position. To our knowledge, no occurrence of c.538A>G in individuals affected with Syndromic X-Linked Intellectual Disability Shashi Type and no experimental evidence demonstrating its impact on protein function have been reported. No submitters have cited clinical-significance assessments for this variant to ClinVar. Based on the evidence outlined above, the variant was classified as uncertain significance.